The following is an entry in ClinVar:

ClinVar aggregate classification (germline): Uncertain significance (1 of 4 stars; one submission).

Submission:

Labcorp Genetics (formerly Invitae), Labcorp
Classification: Uncertain significance. Last evaluated: 2022-05-09. Review status: criteria provided, single submitter. Criteria: Invitae Variant Classification Sherloc (09022015). Collection method: clinical testing. Allele origin: germline.
Comment: In summary, the available evidence is currently insufficient to determine the role of this variant in disease. Therefore, it has been classified as a Variant of Uncertain Significance. Algorithms developed to predict the effect of missense changes on protein structure and function output the following: SIFT: "Deleterious"; PolyPhen-2: "Benign"; Align-GVGD: "Class C0". The phenylalanine amino acid residue is found in multiple mammalian species, which suggests that this missense change does not adversely affect protein function. This variant has not been reported in the literature in individuals affected with GPR143-related conditions. This variant is not present in population databases (gnomAD no frequency). This sequence change replaces leucine, which is neutral and non-polar, with phenylalanine, which is neutral and non-polar, at codon 206 of the GPR143 protein (p.Leu206Phe).

NM_000273.3(GPR143):c.616C>T (p.Leu206Phe)

Gene: GPR143 (G protein-coupled receptor 143; minus strand). Cytogenetic location: Xp22.2.
Variant type: single nucleotide variant.
Coding change: c.616C>T on transcript NM_000273.3 (MANE Select); coding-DNA position 616, C replaced by T.
Protein change: p.Leu206Phe; replaces leucine 206 with phenylalanine.
Molecular consequence: missense variant.
Genome position (GRCh38, 1-based): chrX:9,746,086, G>A on the plus strand (C>T on the coding strand, the complement: GPR143 is on the minus strand). VCF-style: chrX-9746086-G-A. GRCh37 (hg19) VCF-style: chrX-9714126-G-A.
Other names: short protein forms L206F.
Identifiers: ClinVar variation 2135910 (VCV002135910.4), dbSNP rs2518628476, ClinGen allele CA411997295.